The following is an entry in ClinVar:

NM_000136.3(FANCC):c.587T>C (p.Val196Ala)

Genes: AOPEP (aminopeptidase O (putative); plus strand), FANCC (FA complementation group C; minus strand). Cytogenetic location: 9q22.32.
Variant type: single nucleotide variant.
Coding change: c.587T>C on transcript NM_000136.3 (MANE Select); coding-DNA position 587, T replaced by C.
Protein change: p.Val196Ala; replaces valine 196 with alanine.
Molecular consequence: missense variant.
Genome position (GRCh38, 1-based): chr9:95,150,022, A>G on the plus strand (T>C on the coding strand, the complement: FANCC is on the minus strand). VCF-style: chr9-95150022-A-G. GRCh37 (hg19) VCF-style: chr9-97912304-A-G.
Other names: c.587T>C, p.Val196Ala (NM_001243743.2, NM_001243744.2); short protein forms V196A.
Identifiers: ClinVar variation 3277635 (VCV003277635.1).

ClinVar aggregate classification (germline): Uncertain significance (1 of 4 stars; one submission).

Conditions:
Hereditary cancer-predisposing syndrome. Also called: Tumor predisposition; Hereditary Cancer Syndrome; Hereditary neoplastic syndrome; Neoplastic Syndromes, Hereditary. Identifiers: Orphanet 140162, MedGen C0027672, MeSH D009386, MONDO:0015356.

Submission:

Ambry Genetics
Classification: Uncertain significance for Hereditary cancer-predisposing syndrome. Last evaluated: 2024-05-09. Review status: criteria provided, single submitter. Criteria: Ambry Variant Classification Scheme 2023. Collection method: clinical testing. Allele origin: germline.
Comment: The p.V196A variant (also known as c.587T>C), located in coding exon 6 of the FANCC gene, results from a T to C substitution at nucleotide position 587. The valine at codon 196 is replaced by alanine, an amino acid with similar properties. This amino acid position is conserved. In addition, this alteration is predicted to be tolerated by in silico analysis. Based on the available evidence, the clinical significance of this variant remains unclear.